The following is an entry in ClinVar:

ClinVar aggregate classification (germline): Uncertain significance. Review status: criteria provided, multiple submitters, no conflicts (2 of 4 stars). 4 submissions from 4 submitters: Uncertain significance (3). 1 of the submissions does not count toward it. Last evaluated 2023-10-06.

Conditions:
Nemaline myopathy 2 (NEM2). Also called: Nemaline myopathy 2, autosomal recessive. Identifiers: MedGen C1850569, MONDO:0009725, OMIM 256030.
Inborn genetic diseases. Identifiers: MedGen C0950123, MeSH D030342.

Allele frequency attached by ClinVar (database versions not stated): gnomAD exomes below 0.00001 and 0.00001.
gnomAD v4.1: 8 of 1,613,304 alleles (0.0005%); highest among the groups gnomAD compares: Middle Eastern, 0.017%; no homozygotes.

Submissions (4):

Ambry Genetics
Classification: Uncertain significance for Inborn genetic diseases. Last evaluated: 2023-10-06. Review status: criteria provided, single submitter. Criteria: Ambry Variant Classification Scheme 2023. Collection method: clinical testing. Allele origin: germline.

Labcorp Genetics (formerly Invitae), Labcorp
Classification: Uncertain significance for Nemaline myopathy 2. Last evaluated: 2021-09-01. Review status: criteria provided, single submitter. Criteria: Invitae Variant Classification Sherloc (09022015). Collection method: clinical testing. Allele origin: germline.
Comment: This sequence change replaces glutamine with proline at codon 1982 of the NEB protein (p.Gln1982Pro). The glutamine residue is moderately conserved and there is a moderate physicochemical difference between glutamine and proline. This variant is not present in population databases (ExAC no frequency). This variant has not been reported in the literature in individuals affected with NEB-related conditions. Algorithms developed to predict the effect of missense changes on protein structure and function (SIFT, PolyPhen-2, Align-GVGD) all suggest that this variant is likely to be tolerated. In summary, the available evidence is currently insufficient to determine the role of this variant in disease. Therefore, it has been classified as a Variant of Uncertain Significance.

Breakthrough Genomics
Classification: Uncertain significance. Review status: criteria provided, single submitter. Criteria: ACMG Guidelines, 2015. Collection method: not provided. Allele origin: germline. Inheritance: Autosomal recessive inheritance. Affected: yes.

Natera, Inc.
Classification: Uncertain significance for Nemaline myopathy type 2. Last evaluated: 2020-08-11. Review status: no assertion criteria provided. Collection method: clinical testing. Allele origin: germline. Not counted in ClinVar's aggregate classification.

NM_001164508.2(NEB):c.5945A>C (p.Gln1982Pro)

Gene: NEB (nebulin; minus strand). Cytogenetic location: 2q23.3.
Variant type: single nucleotide variant.
Coding change: c.5945A>C on transcript NM_001164508.2 (MANE Select); coding-DNA position 5945, A replaced by C.
Protein change: p.Gln1982Pro; replaces glutamine 1982 with proline.
Molecular consequence: missense variant.
Genome position (GRCh38, 1-based): chr2:151,662,160, T>G on the plus strand (A>C on the coding strand, the complement: NEB is on the minus strand). VCF-style: chr2-151662160-T-G. GRCh37 (hg19) VCF-style: chr2-152518674-T-G.
Other names: c.5945A>C, p.Gln1982Pro (NM_001164507.2, NM_001271208.2, NM_004543.5); c.5945A>C (NM_004543.4); short protein forms Q1982P.
Identifiers: ClinVar variation 534020 (VCV000534020.8), dbSNP rs1212716508, ClinGen allele CA348805436.
Genomic context (GRCh38, chr2:151,662,160, plus strand): 5'-ATGCATATGAAACACTGCATTATTGAAAGACTTACTTCGTTCATAATTTTTGCATTATTC[T>G]GGGCCAAAACCATGTTCATCGAGTCCATGAGTGTGGAATACTTCAAAGTGTCTGGGTGCT-3'
Protein context (NP_001157980.2, residues 1972-1992): LMDSMNMVLA[Gln1982Pro]NNAKIMNEHL